The following is an entry in ClinVar:

ClinVar aggregate classification (germline): Uncertain significance (1 of 4 stars; one submission).

Conditions:
X-linked agammaglobulinemia with growth hormone deficiency (IGHD3). Also called: AGAMMAGLOBULINEMIA AND ISOLATED GROWTH HORMONE DEFICIENCY, X-LINKED; FLEISHER SYNDROME; ISOLATED GROWTH HORMONE DEFICIENCY, TYPE III, WITH AGAMMAGLOBULINEMIA; Isolated growth hormone deficiency type 3; Growth hormone deficiency with hypogammaglobulinemia; HYPOGAMMAGLOBULINEMIA AND ISOLATED GROWTH HORMONE DEFICIENCY, X-LINKED. Identifiers: Orphanet 231692, Orphanet 631, MedGen C0472813, MONDO:0010615, OMIM 307200.

gnomAD v4.1: 3 of 1,208,752 alleles (0.00025%); highest among the groups gnomAD compares: Non-Finnish European, 0.00034%; no homozygotes.

Submission:

Labcorp Genetics (formerly Invitae), Labcorp
Classification: Uncertain significance for X-linked agammaglobulinemia with growth hormone deficiency. Last evaluated: 2025-06-22. Review status: criteria provided, single submitter. Criteria: Invitae Variant Classification Sherloc (09022015). Collection method: clinical testing. Allele origin: germline.
Comment: This sequence change falls in intron 13 of the BTK gene. It does not directly change the encoded amino acid sequence of the BTK protein. This variant is not present in population databases (gnomAD no frequency). This variant has not been reported in the literature in individuals affected with BTK-related conditions. Algorithms developed to predict the effect of sequence changes on RNA splicing suggest that this variant may disrupt the consensus splice site. In summary, the available evidence is currently insufficient to determine the role of this variant in disease. Therefore, it has been classified as a Variant of Uncertain Significance.

NM_000061.3(BTK):c.1178-11T>A

Gene: BTK (Bruton tyrosine kinase; minus strand). Cytogenetic location: Xq22.1.
Variant type: single nucleotide variant.
Coding change: c.1178-11T>A on transcript NM_000061.3 (MANE Select); 11 bases into the intron before coding-DNA position 1178, T replaced by A.
Molecular consequence: intron variant.
Genome position (GRCh38, 1-based): chrX:101,356,966, A>T on the plus strand (T>A on the coding strand, the complement: BTK is on the minus strand). VCF-style: chrX-101356966-A-T. GRCh37 (hg19) VCF-style: chrX-100611954-A-T.
Other names: c.1280-11T>A (NM_001287344.2); c.1038+1408T>A (NM_001287345.2).
Identifiers: ClinVar variation 4770616 (VCV004770616.1).